The following is an entry in ClinVar:

NM_014365.3(HSPB8):c.9C>G (p.Asp3Glu)

Gene: HSPB8 (heat shock protein family B (small) member 8; plus strand). Cytogenetic location: 12q24.23.
Variant type: single nucleotide variant.
Coding change: c.9C>G on transcript NM_014365.3 (MANE Select); coding-DNA position 9, C replaced by G.
Protein change: p.Asp3Glu; replaces aspartic acid 3 with glutamic acid.
Molecular consequence: missense variant.
Genome position (GRCh38, 1-based): chr12:119,179,321, C>G. VCF-style: chr12-119179321-C-G. GRCh37 (hg19) VCF-style: chr12-119617126-C-G.
Other names: short protein forms D3E.
Identifiers: ClinVar variation 464511 (VCV000464511.1), dbSNP rs952834680, ClinGen allele CA386523697.

ClinVar aggregate classification (germline): Uncertain significance (1 of 4 stars; one submission).

Conditions:
Charcot-Marie-Tooth disease axonal type 2L. Also called: Charcot-Marie-Tooth Neuropathy Type 2L; CHARCOT-MARIE-TOOTH DISEASE, AXONAL, AUTOSOMAL DOMINANT, TYPE 2L; CHARCOT-MARIE-TOOTH NEUROPATHY, AXONAL, TYPE 2L. Identifiers: Orphanet 99945, MedGen C1837552, MONDO:0012096, OMIM 608673.

Submission:

Labcorp Genetics (formerly Invitae), Labcorp
Classification: Uncertain significance for Charcot-Marie-Tooth disease axonal type 2L. Last evaluated: 2017-03-02. Review status: criteria provided, single submitter. Criteria: Invitae Variant Classification Sherloc (09022015). Collection method: clinical testing. Allele origin: germline.
Comment: This sequence change replaces aspartic acid with glutamic acid at codon 3 of the HSPB8 protein (p.Asp3Glu). The aspartic acid residue is moderately conserved and there is a small physicochemical difference between aspartic acid and glutamic acid. This variant is not present in population databases (ExAC no frequency) and has not been reported in the literature in individuals with a HSPB8-related disease. Algorithms developed to predict the effect of missense changes on protein structure and function (SIFT, PolyPhen-2, Align-GVGD) all suggest that this variant is likely to be tolerated, but these predictions have not been confirmed by published functional studies. In summary, this variant is a novel missense change that is not predicted to affect protein function. There is no indication that it causes disease, but the available evidence is currently insufficient to prove that conclusively. Therefore, it has been classified as a Variant of Uncertain Significance.